The following is an entry in ClinVar:

NM_001290043.2(TAP2):c.1255G>A (p.Val419Met)

Gene: TAP2 (transporter 2, ATP binding cassette subfamily B member; minus strand). Cytogenetic location: 6p21.32.
Variant type: single nucleotide variant.
Coding change: c.1255G>A on transcript NM_001290043.2 (MANE Select); coding-DNA position 1255, G replaced by A.
Protein change: p.Val419Met; replaces valine 419 with methionine.
Molecular consequence: missense variant.
Genome position (GRCh38, 1-based): chr6:32,832,350, C>T on the plus strand (G>A on the coding strand, the complement: TAP2 is on the minus strand). VCF-style: chr6-32832350-C-T. GRCh37 (hg19) VCF-style: chr6-32800127-C-T.
Other names: c.1255G>A, p.Val419Met (NM_018833.3, NM_000544.3); short protein forms V419M.
Identifiers: ClinVar variation 836451 (VCV000836451.8), dbSNP rs374339816, ClinGen allele CA3745959.
Genomic context (GRCh38, chr6:32,832,350, plus strand): 5'-AAAGAGAGGGAAAAAAGGAGAGCAGGCTTGGCTTCTCGCTCACCTGCACATAGCTCCCCA[C>T]GCTCTCCTGGTAGATCATAAAGGAAAGCAGGCTGCCCTGGGTGAGCTCCCCATCCTGCAT-3'
Protein context (NP_001276972.1, residues 409-429): LLSFMIYQES[Val419Met]GSYVQTLVYI

ClinVar aggregate classification (germline): Uncertain significance. Review status: criteria provided, multiple submitters, no conflicts (2 of 4 stars). 2 submissions from 2 submitters: Uncertain significance (2). Last evaluated 2025-06-24.

Conditions:
Inborn genetic diseases. Identifiers: MedGen C0950123, MeSH D030342.
MHC class I deficiency. Identifiers: Orphanet 34592, MedGen C6024714, MONDO:0011476.

Allele frequency attached by ClinVar (database versions not stated): TOPMed 0.00002; ExAC 0.00003; ESP Exome Variant Server 0.00012; gnomAD 0.00003; gnomAD exomes 0.00003 and 0.00001.

Submissions (2):

Ambry Genetics
Classification: Uncertain significance for Inborn genetic diseases. Last evaluated: 2025-06-24. Review status: criteria provided, single submitter. Criteria: Ambry Variant Classification Scheme 2023. Collection method: clinical testing. Allele origin: germline.

Labcorp Genetics (formerly Invitae), Labcorp
Classification: Uncertain significance for MHC class I deficiency 1. Last evaluated: 2024-10-21. Review status: criteria provided, single submitter. Criteria: Invitae Variant Classification Sherloc (09022015). Collection method: clinical testing. Allele origin: germline.
Comment: This sequence change replaces valine, which is neutral and non-polar, with methionine, which is neutral and non-polar, at codon 419 of the TAP2 protein (p.Val419Met). This variant is present in population databases (rs374339816, gnomAD 0.004%). This variant has not been reported in the literature in individuals affected with TAP2-related conditions. ClinVar contains an entry for this variant (Variation ID: 836451). An algorithm developed to predict the effect of missense changes on protein structure and function outputs the following: PolyPhen-2: "Not Available". The methionine amino acid residue is found in multiple mammalian species, which suggests that this missense change does not adversely affect protein function. In summary, the available evidence is currently insufficient to determine the role of this variant in disease. Therefore, it has been classified as a Variant of Uncertain Significance.